The following is an entry in ClinVar:

NM_000553.6(WRN):c.1853T>C (p.Phe618Ser)

Gene: WRN (WRN RecQ like helicase; plus strand). Cytogenetic location: 8p12.
Variant type: single nucleotide variant.
Coding change: c.1853T>C on transcript NM_000553.6 (MANE Select); coding-DNA position 1853, T replaced by C.
Protein change: p.Phe618Ser; replaces phenylalanine 618 with serine.
Molecular consequence: missense variant.
Genome position (GRCh38, 1-based): chr8:31,091,853, T>C. VCF-style: chr8-31091853-T-C. GRCh37 (hg19) VCF-style: chr8-30949369-T-C.
Other names: short protein forms F618S.
Identifiers: ClinVar variation 938131 (VCV000938131.5), dbSNP rs755746575, ClinGen allele CA370928409.

ClinVar aggregate classification (germline): Uncertain significance (1 of 4 stars; one submission).

Conditions:
Werner syndrome (WRN). Identifiers: Orphanet 902, MedGen C0043119, MONDO:0010196, OMIM 277700.

Submission:

Labcorp Genetics (formerly Invitae), Labcorp
Classification: Uncertain significance for Werner syndrome. Last evaluated: 2019-09-20. Review status: criteria provided, single submitter. Criteria: Invitae Variant Classification Sherloc (09022015). Collection method: clinical testing. Allele origin: germline.
Comment: Algorithms developed to predict the effect of missense changes on protein structure and function are either unavailable or do not agree on the potential impact of this missense change (SIFT: "Deleterious"; PolyPhen-2: "Probably Damaging"; Align-GVGD: "Class C15"). In summary, the available evidence is currently insufficient to determine the role of this variant in disease. Therefore, it has been classified as a Variant of Uncertain Significance. This variant has not been reported in the literature in individuals with WRN-related conditions. This variant is not present in population databases (ExAC no frequency). This sequence change replaces phenylalanine with serine at codon 618 of the WRN protein (p.Phe618Ser). The phenylalanine residue is moderately conserved and there is a large physicochemical difference between phenylalanine and serine.